The following is an entry in ClinVar:

ClinVar aggregate classification (germline): Uncertain significance (1 of 4 stars; one submission).

Conditions:
Hereditary cancer-predisposing syndrome. Also called: Neoplastic Syndromes, Hereditary; Tumor predisposition; Hereditary Cancer Syndrome; Hereditary neoplastic syndrome. Identifiers: Orphanet 140162, MedGen C0027672, MeSH D009386, MONDO:0015356.

Submission:

Ambry Genetics
Classification: Uncertain significance for Hereditary cancer-predisposing syndrome. Last evaluated: 2021-10-15. Review status: criteria provided, single submitter. Criteria: Ambry Variant Classification Scheme 2023. Collection method: clinical testing. Allele origin: germline.
Comment: The p.A679G variant (also known as c.2036C>G), located in coding exon 14 of the PTCH1 gene, results from a C to G substitution at nucleotide position 2036. The alanine at codon 679 is replaced by glycine, an amino acid with similar properties. This amino acid position is highly conserved in available vertebrate species. In silico splice site analysis for this alteration is inconclusive. In addition, the in silico prediction for this alteration is inconclusive. Since supporting evidence is limited at this time, the clinical significance of this alteration remains unclear.

NM_000264.5(PTCH1):c.2036C>G (p.Ala679Gly)

Genes: PTCH1 (patched 1; minus strand), LOC100507346 (uncharacterized LOC100507346; plus strand). Cytogenetic location: 9q22.32.
Variant type: single nucleotide variant.
Coding change: c.2036C>G on transcript NM_000264.5 (MANE Select); coding-DNA position 2036, C replaced by G.
Protein change: p.Ala679Gly; replaces alanine 679 with glycine.
Molecular consequence: missense variant. On other transcripts: non-coding transcript variant (2).
Genome position (GRCh38, 1-based): chr9:95,468,965, G>C on the plus strand (C>G on the coding strand, the complement: PTCH1 is on the minus strand). VCF-style: chr9-95468965-G-C. GRCh37 (hg19) VCF-style: chr9-98231247-G-C.
Other names: c.1838C>G, p.Ala613Gly (NM_001083602.3); c.2033C>G, p.Ala678Gly (NM_001083603.3); c.1583C>G, p.Ala528Gly (NM_001083604.3, NM_001083605.3, NM_001083606.3 and 1 more transcripts); c.1880C>G, p.Ala627Gly (NM_001354918.2); short protein forms A528G, A678G, A679G, A627G, A613G.
Identifiers: ClinVar variation 1784818 (VCV001784818.2), dbSNP rs2118043684, ClinGen allele CA374115790.